The following is an entry in ClinVar:

ClinVar aggregate classification (germline): Uncertain significance (1 of 4 stars; one submission).

Conditions:
Fanconi anemia (FA). Also called: Fanconi's anemia. Identifiers: Orphanet 84, MedGen C0015625, MeSH D005199, MONDO:0019391.

Submission:

Labcorp Genetics (formerly Invitae), Labcorp
Classification: Uncertain significance for Fanconi anemia. Last evaluated: 2022-09-27. Review status: criteria provided, single submitter. Criteria: Invitae Variant Classification Sherloc (09022015). Collection method: clinical testing. Allele origin: germline.
Comment: In summary, the available evidence is currently insufficient to determine the role of this variant in disease. Therefore, it has been classified as a Variant of Uncertain Significance. Advanced modeling of protein sequence and biophysical properties (such as structural, functional, and spatial information, amino acid conservation, physicochemical variation, residue mobility, and thermodynamic stability) performed at Invitae indicates that this missense variant is not expected to disrupt FANCD2 protein function. This variant has not been reported in the literature in individuals affected with FANCD2-related conditions. This variant is not present in population databases (gnomAD no frequency). This sequence change replaces glutamic acid, which is acidic and polar, with lysine, which is basic and polar, at codon 742 of the FANCD2 protein (p.Glu742Lys).

NM_001018115.3(FANCD2):c.2224G>A (p.Glu742Lys)

Genes: FANCD2 (FA complementation group D2; plus strand), LOC107303338 (3p25 FANCD2 Alu-mediated recombination region; plus strand). Cytogenetic location: 3p25.3.
Variant type: single nucleotide variant.
Coding change: c.2224G>A on transcript NM_001018115.3 (MANE Select); coding-DNA position 2224, G replaced by A.
Protein change: p.Glu742Lys; replaces glutamic acid 742 with lysine.
Molecular consequence: missense variant.
Genome position (GRCh38, 1-based): chr3:10,065,449, G>A. VCF-style: chr3-10065449-G-A. GRCh37 (hg19) VCF-style: chr3-10107133-G-A.
Other names: c.2224G>A, p.Glu742Lys (NM_001319984.2, NM_001374254.1, NM_033084.6); c.2113G>A, p.Glu705Lys (NM_001374253.1); short protein forms E705K, E742K.
Identifiers: ClinVar variation 1720473 (VCV001720473.5), dbSNP rs2469970426, ClinGen allele CA351734707.